The following is an entry in ClinVar:

NM_000228.3(LAMB3):c.2194dup (p.Val732fs)

Gene: LAMB3 (laminin subunit beta 3; minus strand). Cytogenetic location: 1q32.2.
Variant type: Duplication.
Coding change: c.2194dup on transcript NM_000228.3 (MANE Select); coding-DNA position 2194, one base duplicated (G; older notation c.2194dupG).
Protein change: p.Val732fs; shifts the reading frame from valine 732.
Molecular consequence: frameshift variant.
Genome position (GRCh38, 1-based): chr1:209,623,669, C duplicated on the plus strand (G on the coding strand, the reverse complement: LAMB3 is on the minus strand); the first of 2 consecutive C bases (chr1:209,623,669-209,623,670); duplicating either gives the same sequence. VCF-style (leftmost placement, unchanged base first): chr1-209623668-A-AC. GRCh37 (hg19) VCF-style: chr1-209797013-A-AC.
Other names: c.2194dup, p.Val732fs (NM_001017402.2, NM_001127641.1); short protein forms V732fs.
Identifiers: ClinVar variation 5011809 (VCV005011809.1).
Genomic context (GRCh38, chr1:209,623,668, plus strand): 5'-AGCCTCTCTGCCTCTCTCCGGCTGTCCCTGAGCTGGTCCAAAAGGCGCGAGCTGTCGGAG[A>AC]CCTGCTGAGCAGCCTGGGCTGACTGCTCGTAGGCTGTGCTCAGCATCCGGAAGGCTCCTG-3'

ClinVar aggregate classification (germline): Pathogenic (1 of 4 stars; one submission).

Conditions:
Junctional epidermolysis bullosa. Identifiers: Orphanet 305, MedGen C0079301, MONDO:0017612.

Submission:

Myriad Genetics, Inc.
Classification: Pathogenic for Junctional epidermolysis bullosa. Last evaluated: 2023-09-27. Review status: criteria provided, single submitter. Criteria: Myriad Autosomal Dominant, Autosomal Recessive and X-Linked Classification Criteria (2023). Collection method: clinical testing. Allele origin: unknown.
Comment: NM_000228.2(LAMB3):c.2194dupG(V732Gfs*48) is expected to be pathogenic in the context of junctional epidermolysis bullosa, LAMB3-related. This variant is predicted to lead to an abnormal or absent protein product due to the creation of a premature termination codon in LAMB3, a gene where loss-of-function variants are known to be pathogenic. Please note: this variant was assessed in the context of healthy population screening.